The following is an entry in ClinVar:

NM_004360.5(CDH1):c.517A>G (p.Lys173Glu)

Gene: CDH1 (cadherin 1; plus strand). Cytogenetic location: 16q22.1.
Variant type: single nucleotide variant.
Coding change: c.517A>G on transcript NM_004360.5 (MANE Select); coding-DNA position 517, A replaced by G.
Protein change: p.Lys173Glu; replaces lysine 173 with glutamic acid.
Molecular consequence: missense variant. On other transcripts: 5 prime UTR variant (2).
Genome position (GRCh38, 1-based): chr16:68,808,553, A>G. VCF-style: chr16-68808553-A-G. GRCh37 (hg19) VCF-style: chr16-68842456-A-G.
Other names: c.517A>G, p.Lys173Glu (NM_001317184.2); c.-1099A>G (NM_001317185.2); c.-1303A>G (NM_001317186.2); short protein forms K173E.
Identifiers: ClinVar variation 3488669 (VCV003488669.1).

ClinVar aggregate classification (germline): Uncertain significance (1 of 4 stars; one submission).

Conditions:
Hereditary cancer-predisposing syndrome. Also called: Tumor predisposition; Neoplastic Syndromes, Hereditary; Hereditary Cancer Syndrome; Hereditary neoplastic syndrome. Identifiers: Orphanet 140162, MedGen C0027672, MeSH D009386, MONDO:0015356.

Submission:

Ambry Genetics
Classification: Uncertain significance for Hereditary cancer-predisposing syndrome. Last evaluated: 2024-10-31. Review status: criteria provided, single submitter. Criteria: Ambry Variant Classification Scheme 2023. Collection method: clinical testing. Allele origin: germline.
Comment: The p.K173E variant (also known as c.517A>G), located in coding exon 4 of the CDH1 gene, results from an A to G substitution at nucleotide position 517. The lysine at codon 173 is replaced by glutamic acid, an amino acid with similar properties. This amino acid position is conserved. In addition, this alteration is predicted to be tolerated by in silico analysis. Based on the available evidence, the clinical significance of this variant remains unclear.